The following is an entry in ClinVar:

NM_001292063.2(OTOG):c.676G>T (p.Val226Phe)

Gene: OTOG (otogelin; plus strand). Cytogenetic location: 11p15.1.
Variant type: single nucleotide variant.
Coding change: c.676G>T on transcript NM_001292063.2 (MANE Select); coding-DNA position 676, G replaced by T.
Protein change: p.Val226Phe; replaces valine 226 with phenylalanine.
Molecular consequence: missense variant.
Genome position (GRCh38, 1-based): chr11:17,557,134, G>T. VCF-style: chr11-17557134-G-T. GRCh37 (hg19) VCF-style: chr11-17578681-G-T.
Other names: c.712G>T, p.Val238Phe (NM_001277269.2); short protein forms V226F, V238F.
Identifiers: ClinVar variation 4686195 (VCV004686195.1).

ClinVar aggregate classification (germline): Uncertain significance (1 of 4 stars; one submission).

gnomAD v4.1: 3 of 1,550,306 alleles (0.00019%); highest among the groups gnomAD compares: African/African-American, 0.0041%; no homozygotes.

Submission:

GeneDx
Classification: Uncertain significance. Last evaluated: 2025-07-15. Review status: criteria provided, single submitter. Criteria: GeneDx Variant Classification Process June 2021. Collection method: clinical testing. Allele origin: germline. Affected: yes.
Comment: Not observed at significant frequency in large population cohorts (gnomAD); In silico analysis suggests that this missense variant does not alter protein structure/function; Has not been previously published as pathogenic or benign to our knowledge